The following is an entry in ClinVar:

ClinVar aggregate classification (germline): Likely benign (1 of 4 stars; one submission).

Conditions:
OAT-related disorder. Also called: OAT-related condition.

gnomAD v4.1: 11 of 152,128 alleles (0.0072%); highest among the groups gnomAD compares: Admixed American, 0.02%; no homozygotes.

Submission:

PreventionGenetics, part of Exact Sciences
Classification: Likely benign for OAT-related condition. Last evaluated: 2025-11-11. Review status: criteria provided, single submitter. Criteria: ACMG Guidelines, 2015. Collection method: clinical testing. Allele origin: germline.
Comment: This variant is classified as likely benign based on ACMG/AMP sequence variant interpretation guidelines (Richards et al. 2015 PMID: 25741868, with internal and published modifications).

NM_000274.4(OAT):c.199+299C>A

Gene: OAT (ornithine aminotransferase; minus strand). Cytogenetic location: 10q26.13.
Variant type: single nucleotide variant.
Coding change: c.199+299C>A on transcript NM_000274.4 (MANE Select); 299 bases into the intron after coding-DNA position 199, C replaced by A.
Molecular consequence: intron variant.
Genome position (GRCh38, 1-based): chr10:124,411,674, G>T on the plus strand (C>A on the coding strand, the complement: OAT is on the minus strand). VCF-style: chr10-124411674-G-T. GRCh37 (hg19) VCF-style: chr10-126100243-G-T.
Other names: c.199+299C>A (NM_001322965.2, NM_001322971.2, NM_001322969.2 and 4 more transcripts); c.-215-2709C>A (NM_001171814.2); c.-515-2709C>A (NM_001322974.2).
Identifiers: ClinVar variation 4990613 (VCV004990613.1).